The following is an entry in ClinVar:

ClinVar aggregate classification (germline): Uncertain significance. Review status: criteria provided, multiple submitters, no conflicts (2 of 4 stars). 2 submissions from 2 submitters: Uncertain significance (2). Last evaluated 2024-12-05.

Conditions:
Joubert syndrome 16 (JBTS16). Identifiers: Orphanet 2318, MedGen C3280906, MONDO:0013764, OMIM 614465.

gnomAD v4.1: 7 of 1,613,528 alleles (0.00043%); highest among the groups gnomAD compares: South Asian, 0.0033%; no homozygotes.

Submissions (2):

Labcorp Genetics (formerly Invitae), Labcorp
Classification: Uncertain significance for Joubert syndrome 16. Last evaluated: 2024-12-05. Review status: criteria provided, single submitter. Criteria: Invitae Variant Classification Sherloc (09022015). Collection method: clinical testing. Allele origin: germline.
Comment: This sequence change replaces leucine, which is neutral and non-polar, with phenylalanine, which is neutral and non-polar, at codon 116 of the TMEM138 protein (p.Leu116Phe). This variant is present in population databases (no rsID available, gnomAD 0.003%). This variant has not been reported in the literature in individuals affected with TMEM138-related conditions. An algorithm developed to predict the effect of missense changes on protein structure and function (PolyPhen-2) suggests that this variant is likely to be tolerated. In summary, the available evidence is currently insufficient to determine the role of this variant in disease. Therefore, it has been classified as a Variant of Uncertain Significance.

Blueprint Genetics
Classification: Uncertain significance. Last evaluated: 2020-04-07. Review status: criteria provided, single submitter. Criteria: ACMG Guidelines, 2015. Collection method: clinical testing. Allele origin: germline.

NM_016464.5(TMEM138):c.346C>T (p.Leu116Phe)

Gene: TMEM138 (transmembrane protein 138; plus strand). Cytogenetic location: 11q12.2.
Variant type: single nucleotide variant.
Coding change: c.346C>T on transcript NM_016464.5 (MANE Select); coding-DNA position 346, C replaced by T.
Protein change: p.Leu116Phe; replaces leucine 116 with phenylalanine.
Molecular consequence: missense variant. On other transcripts: non-coding transcript variant (1).
Genome position (GRCh38, 1-based): chr11:61,367,968, C>T. VCF-style: chr11-61367968-C-T. GRCh37 (hg19) VCF-style: chr11-61135440-C-T.
Other names: c.172C>T, p.Leu58Phe (NM_001330281.2); c.346C>T, p.Leu116Phe (NM_001410997.1, NM_001410998.1, NM_001410999.1); short protein forms L58F, L116F.
Identifiers: ClinVar variation 3715907 (VCV003715907.3).